The following is an entry in ClinVar:

ClinVar aggregate classification (germline): Conflicting classifications of pathogenicity. Review status: criteria provided, conflicting classifications (1 of 4 stars). 3 submissions from 3 submitters: Uncertain significance (2); Likely benign (1). Last evaluated 2024-06-19.

Conditions:
PIEZO1-related disorder. Also called: PIEZO1-related condition; PIEZO1-Related Disorders.

Allele frequency attached by ClinVar (database versions not stated): ExAC 0.00008; 1000 Genomes Project 30x 0.00062.
gnomAD v4.1: 95 of 1,530,802 alleles (0.0062%); highest among the groups gnomAD compares: East Asian, 0.2%; no homozygotes.

Submissions (3):

Revvity Omics, Revvity
Classification: Uncertain significance. Last evaluated: 2024-06-19. Review status: criteria provided, single submitter. Criteria: ACMG Guidelines, 2015. Collection method: clinical testing. Allele origin: germline.

Blueprint Genetics
Classification: Likely benign. Last evaluated: 2023-08-31. Review status: criteria provided, single submitter. Criteria: ACMG Guidelines, 2015. Collection method: clinical testing. Allele origin: germline.

PreventionGenetics, part of Exact Sciences
Classification: Uncertain significance for PIEZO1-related condition. Last evaluated: 2023-05-10. Review status: criteria provided, single submitter. Criteria: ACMG Guidelines, 2015. Collection method: clinical testing. Allele origin: germline.
Comment: The PIEZO1 c.4072C>T variant is predicted to result in the amino acid substitution p.Arg1358Cys. This variant and a second PIEZO1 variant was reported in a fetus with cystic hygroma and increased nuchal translucency (Chen et al. 2020. PubMed ID: 32502767, Table 3) and in an individual with autosomal recessive hereditary lymphedema (Liu et al. 2020. PubMed ID: 32599305). This variant is reported in 0.19% of alleles in individuals of East Asian descent in gnomAD. At this time, the clinical significance of this variant is uncertain due to the absence of conclusive functional and genetic evidence.

NM_001142864.4(PIEZO1):c.4072C>T (p.Arg1358Cys)

Gene: PIEZO1 (piezo type mechanosensitive ion channel component 1 (Er blood group); minus strand). Cytogenetic location: 16q24.3.
Variant type: single nucleotide variant.
Coding change: c.4072C>T on transcript NM_001142864.4 (MANE Select); coding-DNA position 4072, C replaced by T.
Protein change: p.Arg1358Cys; replaces arginine 1358 with cysteine.
Molecular consequence: missense variant.
Genome position (GRCh38, 1-based): chr16:88,725,506, G>A on the plus strand (C>T on the coding strand, the complement: PIEZO1 is on the minus strand). VCF-style: chr16-88725506-G-A. GRCh37 (hg19) VCF-style: chr16-88791914-G-A.
Other names: c.2614C>T, p.Arg872Cys (NM_014745.1); short protein forms R1358C, R872C.
Identifiers: ClinVar variation 2632037 (VCV002632037.3), dbSNP rs756872431, ClinGen allele CA8232258.